The following is an entry in ClinVar:

NM_001195272.2(TEX13C):c.126G>A (p.Pro42=)

Gene: TEX13C (TEX13 family member C; plus strand). Cytogenetic location: Xq25.
Variant type: single nucleotide variant.
Coding change: c.126G>A on transcript NM_001195272.2 (MANE Select); coding-DNA position 126, G replaced by A.
Protein change: p.Pro42=; no amino-acid change (proline 42 retained).
Molecular consequence: synonymous variant.
Genome position (GRCh38, 1-based): chrX:125,320,245, G>A. VCF-style: chrX-125320245-G-A. GRCh37 (hg19) VCF-style: chrX-124454094-G-A.
Identifiers: ClinVar variation 2661371 (VCV002661371.24), dbSNP rs113566377, ClinGen allele CA335366092.
Genomic context (GRCh38, chrX:125,320,245, plus strand): 5'-CAATGAAGTCCTCAGGAACGGCGGCAGCCCAGCCTTTTACACGGCCTTCCGCTCGCGGCC[G>A]TGGAACGAGGTAGAGGACCGGCTTCGGGCCATTGTGGCCGACCCGCGGGTGCCCCGTGCC-3'
Protein context (NP_001182201.1, residues 32-52): PAFYTAFRSR[Pro42=]WNEVEDRLRA

ClinVar aggregate classification (germline): Likely benign (1 of 4 stars; one submission).

Allele frequency attached by ClinVar (database versions not stated): TOPMed 0.00004; gnomAD 0.00009; 1000 Genomes Project 30x 0.00021; 1000 Genomes Project 0.00026.
gnomAD v4.1: 45 of 515,313 alleles (0.0087%); highest among the groups gnomAD compares: Non-Finnish European, 0.013%; no homozygotes.

Submission:

CeGaT Center for Human Genetics Tuebingen
Classification: Likely benign. Last evaluated: 2023-03-01. Review status: criteria provided, single submitter. Criteria: CeGaT Center For Human Genetics Tuebingen Variant Classification Criteria Version 2. Collection method: clinical testing. Allele origin: germline. Affected: yes. Observed: 1 variant allele.
Comment: TEX13C: BS2